The following is an entry in ClinVar:

NM_004098.4(EMX2):c.592-8del

Gene: EMX2 (empty spiracles homeobox 2; plus strand). Cytogenetic location: 10q26.11.
Variant type: Deletion.
Coding change: c.592-8del on transcript NM_004098.4 (MANE Select); 8 bases into the intron before coding-DNA position 592, one base deleted (A; older notation c.592-8delA).
Molecular consequence: intron variant.
Genome position (GRCh38, 1-based): chr10:117,548,057, A deleted. VCF-style (leftmost placement, unchanged base first): chr10-117548056-CA-C. GRCh37 (hg19) VCF-style: chr10-119307567-CA-C.
Other names: c.407-8del (NM_001165924.2).
Identifiers: ClinVar variation 1711266 (VCV001711266.30), dbSNP rs2493097749, ClinGen allele CA2580082401.
Genomic context (GRCh38, chr10:117,548,056, plus strand): 5'-AAGGATCAGGCACTTGATAGAAGGGTGCTCTGAAAGAACTAACGCACCCCATCTGCCTCT[CA>C]CCCGCAGGTAAAAGTATGGTTTCAGAACCGAAGAACAAAGTTCAAAAGGCAGAAGCTGGA-3'

ClinVar aggregate classification (germline): Uncertain significance (1 of 4 stars; one submission).

Submission:

CeGaT Center for Human Genetics Tuebingen
Classification: Uncertain significance. Last evaluated: 2022-09-01. Review status: criteria provided, single submitter. Criteria: CeGaT Center For Human Genetics Tuebingen Variant Classification Criteria Version 2. Collection method: clinical testing. Allele origin: germline. Affected: yes. Observed: 1 variant allele.
Comment: EMX2: PM2, BP4